The following is an entry in ClinVar:

ClinVar aggregate classification (germline): Uncertain significance. Review status: criteria provided, multiple submitters, no conflicts (2 of 4 stars). 3 submissions from 3 submitters: Uncertain significance (3). Last evaluated 2024-05-14.

Conditions:
Dilated cardiomyopathy 1HH (CMD1HH). Identifiers: Orphanet 154, MedGen C3151293, MONDO:0013479, OMIM 613881.
Myofibrillar myopathy 6. Identifiers: Orphanet 199340, MedGen C2751831, MONDO:0013061, OMIM 612954.

gnomAD v4.1: 4 of 1,614,120 alleles (0.00025%); highest among the groups gnomAD compares: Non-Finnish European, 0.00034%; no homozygotes.

Submissions (3):

GeneDx
Classification: Uncertain significance. Last evaluated: 2024-05-14. Review status: criteria provided, single submitter. Criteria: GeneDx Variant Classification Process June 2021. Collection method: clinical testing. Allele origin: germline. Affected: yes.
Comment: Has not been previously published as pathogenic or benign to our knowledge; Not observed at significant frequency in large population cohorts (gnomAD); In silico analysis indicates that this missense variant does not alter protein structure/function

Labcorp Genetics (formerly Invitae), Labcorp
Classification: Uncertain significance for Dilated cardiomyopathy 1HH; Myofibrillar myopathy 6. Last evaluated: 2021-09-15. Review status: criteria provided, single submitter. Criteria: Invitae Variant Classification Sherloc (09022015). Collection method: clinical testing. Allele origin: germline.
Comment: This sequence change replaces alanine with valine at codon 529 of the BAG3 protein (p.Ala529Val). The alanine residue is weakly conserved and there is a small physicochemical difference between alanine and valine. This variant is present in population databases (rs369690617, ExAC 0.002%). This variant has not been reported in the literature in individuals affected with BAG3-related conditions. Algorithms developed to predict the effect of missense changes on protein structure and function output the following: SIFT: "Tolerated"; PolyPhen-2: "Not Available"; Align-GVGD: "Class C0". The valine amino acid residue is found in multiple mammalian species, which suggests that this missense change does not adversely affect protein function. In summary, the available evidence is currently insufficient to determine the role of this variant in disease. Therefore, it has been classified as a Variant of Uncertain Significance.

Blueprint Genetics
Classification: Uncertain significance. Last evaluated: 2017-07-27. Review status: criteria provided, single submitter. Criteria: ACMG Guidelines, 2015. Collection method: clinical testing. Allele origin: germline.

NM_004281.4(BAG3):c.1586C>T (p.Ala529Val)

Gene: BAG3 (BAG cochaperone 3; plus strand). Cytogenetic location: 10q26.11.
Variant type: single nucleotide variant.
Coding change: c.1586C>T on transcript NM_004281.4 (MANE Select); coding-DNA position 1586, C replaced by T.
Protein change: p.Ala529Val; replaces alanine 529 with valine.
Molecular consequence: missense variant.
Genome position (GRCh38, 1-based): chr10:119,677,140, C>T. VCF-style: chr10-119677140-C-T. GRCh37 (hg19) VCF-style: chr10-121436652-C-T.
Other names: c.1586C>T (NM_004281.3); short protein forms A529V.
Identifiers: ClinVar variation 1364971 (VCV001364971.7), dbSNP rs369690617, ClinGen allele CA5716580.
Genomic context (GRCh38, chr10:119,677,140, plus strand): 5'-AACTCCAGCCCAGCAACCTTGAAGCAGATCAGCCACTGCAGGCAATCATGGAGATGGGTG[C>T]CGTGGCAGCAGACAAGGGCAAGAAAAATGCTGGAAATGCAGAAGATCCCCACACAGAAAC-3'
Protein context (NP_004272.2, residues 519-539): QPLQAIMEMG[Ala529Val]VAADKGKKNA